The following is an entry in ClinVar:

NM_002796.3(PSMB4):c.398T>G (p.Ile133Ser)

Gene: PSMB4 (proteasome 20S subunit beta 4; plus strand). Cytogenetic location: 1q21.3.
Variant type: single nucleotide variant.
Coding change: c.398T>G on transcript NM_002796.3 (MANE Select); coding-DNA position 398, T replaced by G.
Protein change: p.Ile133Ser; replaces isoleucine 133 with serine.
Molecular consequence: missense variant.
Genome position (GRCh38, 1-based): chr1:151,400,492, T>G. VCF-style: chr1-151400492-T-G. GRCh37 (hg19) VCF-style: chr1-151372968-T-G.
Other names: short protein forms I133S.
Identifiers: ClinVar variation 3679849 (VCV003679849.2).
Genomic context (GRCh38, chr1:151,400,492, plus strand): 5'-TCCTTTTAAGGATTGATGAGGAGCTTCTGGGAGATGGACACAGCTATAGTCCTAGAGCTA[T>G]TCATTCATGGCTGACCAGGGCCATGTACAGCCGGCGCTCGAAGATGAACCCTTTGTGGAA-3'
Protein context (NP_002787.2, residues 123-143): GDGHSYSPRA[Ile133Ser]HSWLTRAMYS

ClinVar aggregate classification (germline): Uncertain significance (1 of 4 stars; one submission).

Submission:

Labcorp Genetics (formerly Invitae), Labcorp
Classification: Uncertain significance. Last evaluated: 2024-07-08. Review status: criteria provided, single submitter. Criteria: Invitae Variant Classification Sherloc (09022015). Collection method: clinical testing. Allele origin: germline.
Comment: This sequence change replaces isoleucine, which is neutral and non-polar, with serine, which is neutral and polar, at codon 133 of the PSMB4 protein (p.Ile133Ser). This variant is not present in population databases (gnomAD no frequency). This variant has not been reported in the literature in individuals affected with PSMB4-related conditions. An algorithm developed to predict the effect of missense changes on protein structure and function (PolyPhen-2) suggests that this variant is likely to be disruptive. In summary, the available evidence is currently insufficient to determine the role of this variant in disease. Therefore, it has been classified as a Variant of Uncertain Significance.